The following is an entry in ClinVar:

ClinVar aggregate classification (germline): Uncertain significance. Review status: criteria provided, multiple submitters, no conflicts (2 of 4 stars). 2 submissions from 2 submitters: Uncertain significance (2). Last evaluated 2024-04-28.

Conditions:
Tuberous sclerosis 2 (TSC2). Identifiers: Orphanet 805, MedGen C1860707, MONDO:0013199, OMIM 613254.
Isolated focal cortical dysplasia type II (FCORD2). Also called: Focal cortical dysplasia type II; CORTICAL DYSPLASIA OF TAYLOR. Identifiers: Orphanet 268994, MedGen C1846385, MONDO:0011818, OMIM 607341, HP:0032051.
Lymphangiomyomatosis (LAM). Also called: Lymphangioleiomyomatosis, somatic; Lymphangioleiomyomatosis. Identifiers: Orphanet 538, MedGen C0751674, MONDO:0011705, OMIM 606690.

Submissions (2):

Fulgent Genetics
Classification: Uncertain significance for Lymphangiomyomatosis; Isolated focal cortical dysplasia type II; Tuberous sclerosis 2. Last evaluated: 2024-04-28. Review status: criteria provided, single submitter. Criteria: ACMG Guidelines, 2015. Collection method: clinical testing. Allele origin: germline.

Labcorp Genetics (formerly Invitae), Labcorp
Classification: Uncertain significance for Tuberous sclerosis 2. Last evaluated: 2019-11-14. Review status: criteria provided, single submitter. Criteria: Invitae Variant Classification Sherloc (09022015). Collection method: clinical testing. Allele origin: germline.
Comment: This sequence change falls in intron 41 of the TSC2 gene. It does not directly change the encoded amino acid sequence of the TSC2 protein, but it affects a nucleotide within the consensus splice site of the intron. This variant is not present in population databases (ExAC no frequency). This variant has not been reported in the literature in individuals with TSC2-related conditions. Nucleotide substitutions within the consensus splice site are a relatively common cause of aberrant splicing (PMID: 17576681, 9536098). Algorithms developed to predict the effect of sequence changes on RNA splicing suggest that this variant may create or strengthen a splice site, but this prediction has not been confirmed by published transcriptional studies. In summary, the available evidence is currently insufficient to determine the role of this variant in disease. Therefore, it has been classified as a Variant of Uncertain Significance.

NM_000548.5(TSC2):c.5252_5259+19dup

Gene: TSC2 (TSC complex subunit 2; plus strand). Cytogenetic location: 16p13.3.
Variant type: Duplication.
Coding change: c.5252_5259+19dup on transcript NM_000548.5 (MANE Select); coding-DNA position 5252 through 19 bases into the intron after coding-DNA position 5259, 27 bases duplicated (GCCAGCGGGTAGGGAATATGGGGCTCC).
Molecular consequence: splice donor variant.
Genome position (GRCh38, 1-based): chr16:2,088,318-2,088,344, GCCAGCGGGTAGGGAATATGGGGCTCC duplicated; duplicating any 27 consecutive bases within chr16:2,088,312-2,088,344 gives the same sequence; the c. name uses the placement nearest the transcript's 3' end. VCF-style (leftmost placement, unchanged base first): chr16-2088311-C-CGGCTCCGCCAGCGGGTAGGGAATATGG. GRCh37 (hg19) VCF-style: chr16-2138312-C-CGGCTCCGCCAGCGGGTAGGGAATATGG.
Other names: c.5183_5190+19dup (NM_001114382.3); c.5123_5130+19dup (NM_021055.3); c.5111_5118+19dup (NM_001370405.1); c.5054_5061+19dup (NM_001363528.2); c.5120_5127+19dup (NM_001370404.1); c.5051_5058+19dup (NM_001077183.3); c.4943_4950+19dup (NM_001318827.2); c.4520_4527+19dup (NM_001318831.2); and 2 more.
Identifiers: ClinVar variation 960057 (VCV000960057.2), dbSNP rs137854397, ClinGen allele CA1139664254.